The following is an entry in ClinVar:

ClinVar aggregate classification (germline): Benign/Likely benign. Review status: criteria provided, multiple submitters, no conflicts (2 of 4 stars). 3 submissions from 3 submitters: Benign (1); Likely benign (2). Last evaluated 2019-08-20.

Conditions:
Hypercalcemia, infantile, 1 (HCINF1). Identifiers: Orphanet 300547, MedGen CN031131, MONDO:0020739, OMIM 143880.

Allele frequency attached by ClinVar (database versions not stated): 1000 Genomes Project 0.00819; TOPMed 0.01675; gnomAD exomes 0.02012; gnomAD 0.01502; 1000 Genomes Project 30x 0.00796.
gnomAD v4.1: 15,321 of 794,036 alleles (1.9%); highest among the groups gnomAD compares: Middle Eastern, 3.6%; 181 homozygotes.

Submissions (3):

GeneDx
Classification: Likely benign. Last evaluated: 2019-08-20. Review status: criteria provided, single submitter. Criteria: GeneDx Variant Classification Process June 2021. Collection method: clinical testing. Allele origin: germline. Affected: yes.

Illumina Laboratory Services, Illumina
Classification: Benign for Hypercalcemia, infantile, 1. Last evaluated: 2018-01-12. Review status: criteria provided, single submitter. Criteria: ICSL Variant Classification Criteria 13 December 2019. Collection method: clinical testing. Allele origin: germline.
Comment: This variant was observed in the ICSL laboratory as part of a predisposition screen in an ostensibly healthy population. It had not been previously curated by ICSL or reported in the Human Gene Mutation Database (HGMD: prior to June 1st, 2018), and was therefore a candidate for classification through an automated scoring system. Utilizing variant allele frequency, disease prevalence and penetrance estimates, and inheritance mode, an automated score was calculated to assess if this variant is too frequent to cause the disease. Based on the score and internal cut-off values, a variant classified as benign is not then subjected to further curation. The score for this variant resulted in a classification of benign for this disease.

Breakthrough Genomics
Classification: Likely benign. Review status: criteria provided, single submitter. Criteria: ACMG Guidelines, 2015. Collection method: not provided. Allele origin: germline. Inheritance: Autosomal recessive inheritance. Affected: yes.

NM_000782.5(CYP24A1):c.-100T>C

Gene: CYP24A1 (cytochrome P450 family 24 subfamily A member 1; minus strand). Cytogenetic location: 20q13.2.
Variant type: single nucleotide variant.
Coding change: c.-100T>C on transcript NM_000782.5 (MANE Select); 100 bases upstream of the start codon, T replaced by C.
Molecular consequence: 5 prime UTR variant.
Genome position (GRCh38, 1-based): chr20:54,173,679, A>G on the plus strand (T>C on the coding strand, the complement: CYP24A1 is on the minus strand). VCF-style: chr20-54173679-A-G. GRCh37 (hg19) VCF-style: chr20-52790218-A-G.
Other names: c.-100T>C (NM_001128915.2).
Identifiers: ClinVar variation 898654 (VCV000898654.8), dbSNP rs144737632, ClinGen allele CA14854482.